The following is an entry in ClinVar:

NC_000012.11:g.(?_122294469)_(122296729_?)del

Gene: HPD (4-hydroxyphenylpyruvate dioxygenase; minus strand). Cytogenetic location: 12q24.31.
Variant type: Deletion.
Identifiers: ClinVar variation 3244250 (VCV003244250.1).

ClinVar aggregate classification (germline): Pathogenic (1 of 4 stars; one submission).

Conditions:
Tyrosinemia type III. Also called: 4-HYDROXYPHENYLPYRUVIC ACID OXIDASE DEFICIENCY; Tyrosinemia type 3; 4-alpha hydroxyphenylpyruvic acid oxidase deficiency; 4-alpha hydroxyphenylpyruvate dioxygenase deficiency; 4-Hydroxyphenylpyruvate dioxygenase deficiency. Identifiers: Orphanet 69723, MedGen C0268623, MONDO:0010162, OMIM 276710.
Hawkinsinuria. Identifiers: Orphanet 2118, MedGen C2931042, MONDO:0007700, OMIM 140350, HP:0034457.

Submission:

Labcorp Genetics (formerly Invitae), Labcorp
Classification: Pathogenic for Tyrosinemia type III; Hawkinsinuria. Last evaluated: 2023-08-09. Review status: criteria provided, single submitter. Criteria: Invitae Variant Classification Sherloc (09022015). Collection method: clinical testing. Allele origin: unknown.
Comment: For these reasons, this variant has been classified as Pathogenic. This variant has not been reported in the literature in individuals affected with HPD-related conditions. This variant is a gross deletion of the genomic region encompassing exon(s) 1-5 of the HPD gene, which includes the initiator codon. This deletion extends beyond the assayed region for this gene and therefore may encompass additional genes. It is expected to result in an absent or disrupted protein product. Loss-of-function variants in HPD are known to be pathogenic (PMID: 10942115, 23036342).

Literature cited by the submitters: PubMed 10942115; PubMed 23036342.